The following is an entry in ClinVar:

ClinVar aggregate classification (germline): Likely benign (0 of 4 stars; one submission).

Conditions:
SOS2-related disorder. Also called: SOS2-related condition.

Submission:

PreventionGenetics, part of Exact Sciences
Classification: Likely benign for SOS2-related condition. Last evaluated: 2022-09-28. Review status: no assertion criteria provided. Collection method: clinical testing. Allele origin: germline.
Comment: This variant is classified as likely benign based on ACMG/AMP sequence variant interpretation guidelines (Richards et al. 2015 PMID: 25741868, with internal and published modifications).

NM_006939.4(SOS2):c.2613G>A (p.Glu871=)

Gene: SOS2 (SOS Ras/Rho guanine nucleotide exchange factor 2; minus strand). Cytogenetic location: 14q21.3.
Variant type: single nucleotide variant.
Coding change: c.2613G>A on transcript NM_006939.4 (MANE Select); coding-DNA position 2613, G replaced by A.
Protein change: p.Glu871=; no amino-acid change (glutamic acid 871 retained).
Molecular consequence: synonymous variant.
Genome position (GRCh38, 1-based): chr14:50,145,224, C>T on the plus strand (G>A on the coding strand, the complement: SOS2 is on the minus strand). VCF-style: chr14-50145224-C-T. GRCh37 (hg19) VCF-style: chr14-50611942-C-T.
Other names: c.2514G>A, p.Glu838= (NM_001411020.1).
Identifiers: ClinVar variation 3053653 (VCV003053653.2), dbSNP rs2502914684, ClinGen allele CA486174690.